The following is an entry in ClinVar:

NM_052925.4(LENG8):c.631G>A (p.Glu211Lys)

Gene: LENG8 (leukocyte receptor cluster member 8; plus strand). Cytogenetic location: 19q13.42.
Variant type: single nucleotide variant.
Coding change: c.631G>A on transcript NM_052925.4 (MANE Select); coding-DNA position 631, G replaced by A.
Protein change: p.Glu211Lys; replaces glutamic acid 211 with lysine.
Molecular consequence: missense variant.
Genome position (GRCh38, 1-based): chr19:54,454,634, G>A. VCF-style: chr19-54454634-G-A. GRCh37 (hg19) VCF-style: chr19-54965813-G-A.
Other names: c.631G>A, p.Glu211Lys (NM_001375638.1, NM_001375640.1, NM_001375641.1); c.577G>A, p.Glu193Lys (NM_001375639.1); c.520G>A, p.Glu174Lys (NM_001411063.1); short protein forms E211K, E174K, E193K.
Identifiers: ClinVar variation 3290468 (VCV003290468.14).

ClinVar aggregate classification (germline): Conflicting classifications of pathogenicity. Review status: criteria provided, conflicting classifications (1 of 4 stars). 2 submissions from 2 submitters: Uncertain significance (1); Likely benign (1). Last evaluated 2025-02-01.

gnomAD v4.1: 59 of 1,607,594 alleles (0.0037%); highest among the groups gnomAD compares: African/African-American, 0.0053%; no homozygotes.

Submissions (2):

CeGaT Center for Human Genetics Tuebingen
Classification: Likely benign. Last evaluated: 2025-02-01. Review status: criteria provided, single submitter. Criteria: CeGaT Center For Human Genetics Tuebingen Variant Classification Criteria Version 2. Collection method: clinical testing. Allele origin: germline. Affected: yes. Observed: 1 variant allele.
Comment: LENG8: BP5

Ambry Genetics
Classification: Uncertain significance. Last evaluated: 2024-03-20. Review status: criteria provided, single submitter. Criteria: Ambry Variant Classification Scheme 2023. Collection method: clinical testing. Allele origin: germline.